The following is an entry in ClinVar:

ClinVar aggregate classification (germline): Uncertain significance (1 of 4 stars; one submission).

Submission:

GeneDx
Classification: Uncertain significance. Last evaluated: 2023-03-24. Review status: criteria provided, single submitter. Criteria: GeneDx Variant Classification Process June 2021. Collection method: clinical testing. Allele origin: germline. Affected: yes.
Comment: Not observed at significant frequency in large population cohorts (gnomAD); In silico analysis supports that this missense variant has a deleterious effect on protein structure/function; Has not been previously published as pathogenic or benign to our knowledge

NM_205768.3(ZBTB18):c.1286C>T (p.Ser429Phe)

Gene: ZBTB18 (zinc finger and BTB domain containing 18; plus strand). Cytogenetic location: 1q44.
Variant type: single nucleotide variant.
Coding change: c.1286C>T on transcript NM_205768.3 (MANE Select); coding-DNA position 1286, C replaced by T.
Protein change: p.Ser429Phe; replaces serine 429 with phenylalanine.
Molecular consequence: missense variant.
Genome position (GRCh38, 1-based): chr1:244,055,060, C>T. VCF-style: chr1-244055060-C-T. GRCh37 (hg19) VCF-style: chr1-244218362-C-T.
Other names: c.1259C>T, p.Ser420Phe (NM_001278196.2, NM_006352.5); c.*463C>T (NM_001421566.1); short protein forms S420F, S429F.
Identifiers: ClinVar variation 2581908 (VCV002581908.1), dbSNP rs2527560953, ClinGen allele CA345674777.